The following is an entry in ClinVar:

ClinVar aggregate classification (germline): Pathogenic (1 of 4 stars; one submission).

Conditions:
Cockayne spectrum with or without cerebrooculofacioskeletal syndrome. Identifiers: MedGen CN315928, MONDO:0100506.

Submission:

Myriad Genetics, Inc.
Classification: Pathogenic for Cockayne spectrum with or without cerebrooculofacioskeletal syndrome. Last evaluated: 2023-09-27. Review status: criteria provided, single submitter. Criteria: Myriad Autosomal Dominant, Autosomal Recessive and X-Linked Classification Criteria (2023). Collection method: clinical testing. Allele origin: unknown.
Comment: NM_000124.2(ERCC6):c.896dupC(A300Sfs*12) is expected to be pathogenic in the context of ERCC6-related disorders. This variant is predicted to lead to an abnormal or absent protein product due to the creation of a premature termination codon in ERCC6, a gene where loss-of-function variants are known to be pathogenic. Please note: this variant was assessed in the context of healthy population screening.

NM_000124.4(ERCC6):c.896dup (p.Ala300fs)

Gene: ERCC6 (ERCC excision repair 6, chromatin remodeling factor; minus strand). Cytogenetic location: 10q11.23.
Variant type: Duplication.
Coding change: c.896dup on transcript NM_000124.4 (MANE Select); coding-DNA position 896, one base duplicated (C; older notation c.896dupC).
Protein change: p.Ala300fs; shifts the reading frame from alanine 300.
Molecular consequence: frameshift variant.
Genome position (GRCh38, 1-based): chr10:49,524,534, G duplicated on the plus strand (C on the coding strand, the reverse complement: ERCC6 is on the minus strand); the first of 2 consecutive G bases (chr10:49,524,534-49,524,535); duplicating either gives the same sequence. VCF-style (leftmost placement, unchanged base first): chr10-49524533-T-TG. GRCh37 (hg19) VCF-style: chr10-50732579-T-TG.
Other names: c.896dup, p.Ala300fs (NM_001277058.2, NM_001277059.2, NM_001346440.2); short protein forms A300fs.
Identifiers: ClinVar variation 5012307 (VCV005012307.1).